The following is an entry in ClinVar:

ClinVar aggregate classification (germline): Uncertain significance (1 of 4 stars; one submission).

Conditions:
Inborn genetic diseases. Identifiers: MedGen C0950123, MeSH D030342.

Submission:

Ambry Genetics
Classification: Uncertain significance for Inborn genetic diseases. Last evaluated: 2019-04-02. Review status: criteria provided, single submitter. Criteria: Ambry Variant Classification Scheme 2023. Collection method: clinical testing. Allele origin: germline.
Comment: The p.G41S variant (also known as c.121G>A), located in coding exon 1 of the KAT6A gene, results from a G to A substitution at nucleotide position 121. The glycine at codon 41 is replaced by serine, an amino acid with similar properties. This amino acid position is highly conserved in available vertebrate species. In addition, the in silico prediction for this alteration is inconclusive. Since supporting evidence is limited at this time, the clinical significance of this alteration remains unclear.

NM_006766.5(KAT6A):c.121G>A (p.Gly41Ser)

Gene: KAT6A (lysine acetyltransferase 6A; minus strand). Cytogenetic location: 8p11.21.
Variant type: single nucleotide variant.
Coding change: c.121G>A on transcript NM_006766.5 (MANE Select); coding-DNA position 121, G replaced by A.
Protein change: p.Gly41Ser; replaces glycine 41 with serine.
Molecular consequence: missense variant.
Genome position (GRCh38, 1-based): chr8:42,048,857, C>T on the plus strand (G>A on the coding strand, the complement: KAT6A is on the minus strand). VCF-style: chr8-42048857-C-T. GRCh37 (hg19) VCF-style: chr8-41906375-C-T.
Other names: c.121G>A, p.Gly41Ser (NM_001305878.2); short protein forms G41S.
Identifiers: ClinVar variation 1752737 (VCV001752737.2), dbSNP rs2487062248, ClinGen allele CA371175374.